The following is an entry in ClinVar:

NM_013236.4(ATXN10):c.831C>G (p.Ser277Arg)

Gene: ATXN10 (ataxin 10; plus strand). Cytogenetic location: 22q13.31.
Variant type: single nucleotide variant.
Coding change: c.831C>G on transcript NM_013236.4 (MANE Select); coding-DNA position 831, C replaced by G.
Protein change: p.Ser277Arg; replaces serine 277 with arginine.
Molecular consequence: missense variant.
Genome position (GRCh38, 1-based): chr22:45,729,527, C>G. VCF-style: chr22-45729527-C-G. GRCh37 (hg19) VCF-style: chr22-46125407-C-G.
Other names: c.639C>G, p.Ser213Arg (NM_001167621.2); short protein forms S213R, S277R.
Identifiers: ClinVar variation 3354356 (VCV003354356.1).
Genomic context (GRCh38, chr22:45,729,527, plus strand): 5'-TGAGCCACTCACCAAGGATGACATCCCTGTGTTTTTGCGGCATGCTGAGTTGATTGCAAG[C>G]ACCTTTGTGGATCAGTGCAAGACTGTGCTCAAGCTGGCCTCTGAGGAGCCTCCTGATGAT-3'
Protein context (NP_037368.1, residues 267-287): VFLRHAELIA[Ser277Arg]TFVDQCKTVL

ClinVar aggregate classification (germline): Likely benign (0 of 4 stars; one submission).

Conditions:
ATXN10-related disorder. Also called: ATXN10-related condition.

gnomAD v4.1: 46 of 1,614,038 alleles (0.0028%); highest among the groups gnomAD compares: Admixed American, 0.073%; no homozygotes.

Submission:

PreventionGenetics, part of Exact Sciences
Classification: Likely benign for ATXN10-related condition. Last evaluated: 2024-04-08. Review status: no assertion criteria provided. Collection method: clinical testing. Allele origin: germline.
Comment: This variant is classified as likely benign based on ACMG/AMP sequence variant interpretation guidelines (Richards et al. 2015 PMID: 25741868, with internal and published modifications).